The following is an entry in ClinVar:

ClinVar aggregate classification (germline): Uncertain significance (1 of 4 stars; one submission).

Conditions:
Primary ciliary dyskinesia. Also called: Ciliary dyskinesia. Identifiers: Orphanet 244, MedGen C0008780, MONDO:0016575, HP:0012265.

Submission:

Labcorp Genetics (formerly Invitae), Labcorp
Classification: Uncertain significance for Primary ciliary dyskinesia. Last evaluated: 2022-07-19. Review status: criteria provided, single submitter. Criteria: Invitae Variant Classification Sherloc (09022015). Collection method: clinical testing. Allele origin: germline.
Comment: In summary, the available evidence is currently insufficient to determine the role of this variant in disease. Therefore, it has been classified as a Variant of Uncertain Significance. Advanced modeling of protein sequence and biophysical properties (such as structural, functional, and spatial information, amino acid conservation, physicochemical variation, residue mobility, and thermodynamic stability) performed at Invitae indicates that this missense variant is not expected to disrupt DNAH5 protein function. ClinVar contains an entry for this variant (Variation ID: 840627). This variant has not been reported in the literature in individuals affected with DNAH5-related conditions. This variant is not present in population databases (gnomAD no frequency). This sequence change replaces proline, which is neutral and non-polar, with alanine, which is neutral and non-polar, at codon 1778 of the DNAH5 protein (p.Pro1778Ala).

NM_001369.3(DNAH5):c.5332C>G (p.Pro1778Ala)

Gene: DNAH5 (dynein axonemal heavy chain 5; minus strand). Cytogenetic location: 5p15.2.
Variant type: single nucleotide variant.
Coding change: c.5332C>G on transcript NM_001369.3 (MANE Select); coding-DNA position 5332, C replaced by G.
Protein change: p.Pro1778Ala; replaces proline 1778 with alanine.
Molecular consequence: missense variant.
Genome position (GRCh38, 1-based): chr5:13,841,844, G>C on the plus strand (C>G on the coding strand, the complement: DNAH5 is on the minus strand). VCF-style: chr5-13841844-G-C. GRCh37 (hg19) VCF-style: chr5-13841953-G-C.
Other names: short protein forms P1778A.
Identifiers: ClinVar variation 840627 (VCV000840627.10), dbSNP rs1765209467, ClinGen allele CA359212277.